The following is an entry in ClinVar:

ClinVar aggregate classification (germline): Likely benign. Review status: criteria provided, multiple submitters, no conflicts (2 of 4 stars). 3 submissions from 3 submitters: Likely benign (3). Last evaluated 2025-06-08.

Conditions:
Progressive sclerosing poliodystrophy (MTDPS4A). Also called: Alpers-Huttenlocher Syndrome (AHS); Alpers Syndrome; ALPERS PROGRESSIVE INFANTILE POLIODYSTROPHY; Mitochondrial DNA depletion syndrome 4A (Alpers type); ALPERS DIFFUSE DEGENERATION OF CEREBRAL GRAY MATTER WITH HEPATIC CIRRHOSIS; Alpers-Huttenlocher Syndrome. Identifiers: Orphanet 726, MedGen C0205710, MONDO:0008758, OMIM 203700.

Allele frequency attached by ClinVar (database versions not stated): gnomAD exomes below 0.00001 and 0.00001; gnomAD 0.00002; TOPMed 0.00002.
gnomAD v4.1: 9 of 1,576,690 alleles (0.00057%); highest among the groups gnomAD compares: East Asian, 0.0023%; no homozygotes.

Submissions (3):

Labcorp Genetics (formerly Invitae), Labcorp
Classification: Likely benign for Progressive sclerosing poliodystrophy. Last evaluated: 2025-06-08. Review status: criteria provided, single submitter. Criteria: Invitae Variant Classification Sherloc (09022015). Collection method: clinical testing. Allele origin: germline.

Mayo Clinic Laboratories, Mayo Clinic
Classification: Likely benign. Last evaluated: 2024-10-30. Review status: criteria provided, single submitter. Criteria: ACMG Guidelines, 2015. Collection method: clinical testing. Allele origin: germline. Observed: 1 variant allele.
Comment: BP4, BP7

Wong Mito Lab, Molecular and Human Genetics, Baylor College of Medicine
Classification: Likely benign for Progressive sclerosing poliodystrophy. Last evaluated: 2018-10-01. Review status: criteria provided, single submitter. Criteria: ACMG Guidelines, 2015. Collection method: clinical testing. Allele origin: germline.
Comment: The NM_002693.2:c.516G>A (NP_002684.1:p.Ala172=) [GRCH38: NC_000015.10:g.89333239C>T] variant in POLG gene is interpretated to be a Likely Benign based on ACMG guidelines (PMID: 25741868). This variant meets the following evidence codes reported in the ACMG-guideline. BP4:Computational evidence/predictors indicate no impact on the POLG structure, function, or protein-protein interaction. BP7:The variant is silent with non predicted splice impact. Based on the evidence criteria codes applied, the variant is suggested to be Likely Benign.

NM_002693.3(POLG):c.516G>A (p.Ala172=)

Genes: POLGARF (POLG alternative reading frame; minus strand), POLG (DNA polymerase gamma, catalytic subunit; minus strand). Cytogenetic location: 15q26.1.
Variant type: single nucleotide variant.
Coding change: c.516G>A on transcript NM_002693.3 (MANE Select); coding-DNA position 516, G replaced by A.
Protein change: p.Ala172=; no amino-acid change (alanine 172 retained).
Molecular consequence: synonymous variant.
Genome position (GRCh38, 1-based): chr15:89,333,239, C>T on the plus strand (G>A on the coding strand, the complement: POLG is on the minus strand). VCF-style: chr15-89333239-C-T. GRCh37 (hg19) VCF-style: chr15-89876470-C-T.
Other names: p.Ala172=; c.516G>A, p.Ala172= (NM_001126131.2).
Identifiers: ClinVar variation 619379 (VCV000619379.13), dbSNP rs1028326668, ClinGen allele CA10602291.
Genomic context (GRCh38, chr15:89,333,239, plus strand): 5'-CTCCTCGGGGATGGCCACGGGTACGGCCTCCCCCTCGGGGCCGTACCGGGTCCAGCCCTC[C>T]GCCCAGGCCCAAGCCGGGGGCTTCGGGGGCAGCTGGGCCTGCAACAGCAAGTTGGCCGCC-3'
Protein context (NP_002684.1, residues 162-182): LPPKPPAWAW[Ala172=]EGWTRYGPEG